The following is an entry in ClinVar:

ClinVar aggregate classification (germline): Uncertain significance. Review status: criteria provided, multiple submitters, no conflicts (2 of 4 stars). 2 submissions from 2 submitters: Uncertain significance (2). Last evaluated 2025-09-11.

Conditions:
Epilepsy, familial adult myoclonic, 5 (EPEO5). Also called: CORTICAL MYOCLONIC TREMOR WITH EPILEPSY, FAMILIAL, 5. Identifiers: Orphanet 86814, MedGen C3809374, MONDO:0014167, OMIM 615400.

Allele frequency attached by ClinVar (database versions not stated): gnomAD 0.00003; gnomAD exomes 0.00003 and 0.00004; ExAC 0.00004; TOPMed 0.00006.
gnomAD v4.1: 49 of 1,606,756 alleles (0.003%); highest among the groups gnomAD compares: Middle Eastern, 0.017%; no homozygotes.

Submissions (2):

Ambry Genetics
Classification: Uncertain significance. Last evaluated: 2025-09-11. Review status: criteria provided, single submitter. Criteria: Ambry Variant Classification Scheme 2023. Collection method: clinical testing. Allele origin: germline.

Labcorp Genetics (formerly Invitae), Labcorp
Classification: Uncertain significance for Epilepsy, familial adult myoclonic, 5. Last evaluated: 2024-11-11. Review status: criteria provided, single submitter. Criteria: Invitae Variant Classification Sherloc (09022015). Collection method: clinical testing. Allele origin: germline.
Comment: This sequence change replaces arginine, which is basic and polar, with histidine, which is basic and polar, at codon 345 of the CNTN2 protein (p.Arg345His). This variant is present in population databases (rs752079019, gnomAD 0.03%). This variant has not been reported in the literature in individuals affected with CNTN2-related conditions. ClinVar contains an entry for this variant (Variation ID: 640931). Invitae Evidence Modeling of protein sequence and biophysical properties (such as structural, functional, and spatial information, amino acid conservation, physicochemical variation, residue mobility, and thermodynamic stability) indicates that this missense variant is not expected to disrupt CNTN2 protein function with a negative predictive value of 95%. In summary, the available evidence is currently insufficient to determine the role of this variant in disease. Therefore, it has been classified as a Variant of Uncertain Significance.

NM_005076.5(CNTN2):c.1034G>A (p.Arg345His)

Gene: CNTN2 (contactin 2; plus strand). Cytogenetic location: 1q32.1.
Variant type: single nucleotide variant.
Coding change: c.1034G>A on transcript NM_005076.5 (MANE Select); coding-DNA position 1034, G replaced by A.
Protein change: p.Arg345His; replaces arginine 345 with histidine.
Molecular consequence: missense variant. On other transcripts: non-coding transcript variant (1).
Genome position (GRCh38, 1-based): chr1:205,061,925, G>A. VCF-style: chr1-205061925-G-A. GRCh37 (hg19) VCF-style: chr1-205031053-G-A.
Other names: c.1034G>A, p.Arg345His (NM_001346083.2); short protein forms R345H.
Identifiers: ClinVar variation 640931 (VCV000640931.7), dbSNP rs752079019, ClinGen allele CA1351234.